The following is an entry in ClinVar:

NM_001042492.3(NF1):c.2594C>T (p.Pro865Leu)

Gene: NF1 (neurofibromin 1; plus strand). Cytogenetic location: 17q11.2.
Variant type: single nucleotide variant.
Coding change: c.2594C>T on transcript NM_001042492.3 (MANE Select); coding-DNA position 2594, C replaced by T.
Protein change: p.Pro865Leu; replaces proline 865 with leucine.
Molecular consequence: missense variant.
Genome position (GRCh38, 1-based): chr17:31,229,209, C>T. VCF-style: chr17-31229209-C-T. GRCh37 (hg19) VCF-style: chr17-29556227-C-T.
Other names: c.2594C>T, p.Pro865Leu (NM_000267.4); short protein forms P865L.
Identifiers: ClinVar variation 186610 (VCV000186610.11), dbSNP rs786203084, ClinGen allele CA195318.

ClinVar aggregate classification (germline): Uncertain significance. Review status: criteria provided, multiple submitters, no conflicts (2 of 4 stars). 5 submissions from 4 submitters: Uncertain significance (5). Last evaluated 2024-03-10.

Conditions:
Hereditary cancer-predisposing syndrome. Also called: Hereditary Cancer Syndrome; Neoplastic Syndromes, Hereditary; Tumor predisposition; Hereditary neoplastic syndrome. Identifiers: Orphanet 140162, MedGen C0027672, MeSH D009386, MONDO:0015356.
Cardiovascular phenotype. Identifiers: MedGen CN230736.
Neurofibromatosis, type 1 (NF1). Also called: NEUROFIBROMATOSIS, TYPE I, SOMATIC; VON RECKLINGHAUSEN DISEASE; Peripheral type neurofibromatosis; Neurofibromatosis, type I. Identifiers: Orphanet 636, MedGen C0027831, MONDO:0018975, OMIM 162200. Disease mechanism: loss of function.

Submissions (5):

GeneDx
Classification: Uncertain significance. Last evaluated: 2024-03-10. Review status: criteria provided, single submitter. Criteria: GeneDx Variant Classification Process June 2021. Collection method: clinical testing. Allele origin: germline. Affected: yes.
Comment: Not observed at significant frequency in large population cohorts (gnomAD); In silico analysis supports that this missense variant has a deleterious effect on protein structure/function; Has not been previously published as pathogenic or benign to our knowledge; This variant is associated with the following publications: (PMID: 25486365, 2121369)

Genome-Nilou Lab
Classification: Uncertain significance for Neurofibromatosis, type 1. Last evaluated: 2022-03-15. Review status: criteria provided, single submitter. Criteria: ACMG Guidelines, 2015. Collection method: clinical testing. Allele origin: germline. Affected: no.

Ambry Genetics
Classification: Uncertain significance for Cardiovascular phenotype; Hereditary cancer-predisposing syndrome. Last evaluated: 2021-12-01. Review status: criteria provided, single submitter. Criteria: Ambry Variant Classification Scheme 2023. Collection method: clinical testing. Allele origin: germline.

Labcorp Genetics (formerly Invitae), Labcorp
Classification: Uncertain significance for Neurofibromatosis, type 1. Last evaluated: 2018-03-22. Review status: criteria provided, single submitter. Criteria: Invitae Variant Classification Sherloc (09022015). Collection method: clinical testing. Allele origin: germline.
Comment: This variant has not been reported in the literature in individuals with NF1-related disease. ClinVar contains an entry for this variant (Variation ID: 186610). In summary, the available evidence is currently insufficient to determine the role of this variant in disease. Therefore, it has been classified as a Variant of Uncertain Significance. Algorithms developed to predict the effect of missense changes on protein structure and function do not agree on the potential impact of this missense change (SIFT: "Deleterious"; PolyPhen-2: "Probably Damaging"; Align-GVGD: "Class C0"). This variant is not present in population databases (ExAC no frequency). This sequence change replaces proline with leucine at codon 865 of the NF1 protein (p.Pro865Leu). The proline residue is highly conserved and there is a moderate physicochemical difference between proline and leucine.

Ambry Genetics
Classification: Uncertain significance for Hereditary cancer-predisposing syndrome. Last evaluated: 2014-10-13. Review status: criteria provided, single submitter. Criteria: Ambry Autosomal Dominant and X-Linked criteria (10/2015). Collection method: clinical testing. Allele origin: germline. Observed: 1 variant allele.
Comment: The p.P865L variant (also known as c.2594C>T), located in coding exon 21 of the NF1 gene, results from a C to T substitution at nucleotide position 2594. The proline at codon 865 is replaced by leucine, an amino acid with similar properties. This variant was not reported in population based cohorts in the following databases: Database of Single Nucleotide Polymorphisms (dbSNP), NHLBI Exome Sequencing Project (ESP), and 1000 Genomes Project. In the ESP, this variant was not observed in 6503 samples (13006 alleles) with coverage at this position.<span style="background-color: initial;">To date, this alteration has been detected with an allele frequency of approximately 0.01% (greater than 11000 alleles tested) in our clinical cohort.<span style="background-color: initial;">This amino acid position is highly conserved in available vertebrate species. In addition, this alteration is predicted to be deleterious by in silico analysis.<span style="background-color: initial;">Since supporting evidence is limited at this time, the clinical significance of<span style="background-color: initial;">p.P865L<strong style="background-color: initial;"><span style="background-color: initial;">remains unclear.